The following is an entry in ClinVar:

ClinVar aggregate classification (germline): Benign (0 of 4 stars; one submission).

Conditions:
MYH10-related disorder. Also called: MYH10-related condition.

Allele frequency attached by ClinVar (database versions not stated): ESP Exome Variant Server 0.00008; TOPMed 0.00027; gnomAD 0.00165; gnomAD exomes 0.00254; ExAC 0.00582; 1000 Genomes Project 30x 0.01265; 1000 Genomes Project 0.01378.
gnomAD v4.1: 3,957 of 1,614,242 alleles (0.25%); highest among the groups gnomAD compares: South Asian, 4.1%; 101 homozygotes.

Submission:

PreventionGenetics, part of Exact Sciences
Classification: Benign for MYH10-related condition. Last evaluated: 2019-05-24. Review status: no assertion criteria provided. Collection method: clinical testing. Allele origin: germline.
Comment: This variant is classified as benign based on ACMG/AMP sequence variant interpretation guidelines (Richards et al. 2015 PMID: 25741868, with internal and published modifications).

NM_001256012.3(MYH10):c.226A>G (p.Ile76Val)

Gene: MYH10 (myosin heavy chain 10; minus strand). Cytogenetic location: 17p13.1.
Variant type: single nucleotide variant.
Coding change: c.226A>G on transcript NM_001256012.3 (MANE Select); coding-DNA position 226, A replaced by G.
Protein change: p.Ile76Val; replaces isoleucine 76 with valine.
Molecular consequence: missense variant.
Genome position (GRCh38, 1-based): chr17:8,623,021, T>C on the plus strand (A>G on the coding strand, the complement: MYH10 is on the minus strand). VCF-style: chr17-8623021-T-C. GRCh37 (hg19) VCF-style: chr17-8526339-T-C.
Other names: c.226A>G, p.Ile76Val (NM_001256095.2, NM_001375266.1, NM_005964.5); short protein forms I76V.
Identifiers: ClinVar variation 3039682 (VCV003039682.2), dbSNP rs148645531, ClinGen allele CA8378169.
Genomic context (GRCh38, chr17:8,623,021, plus strand): 5'-AGCATGTCAATTCTGCCATATCCTCCACCTTGGAAAACTTAGGTGGGTTCATCTTCTGAA[T>C]ATCATCTTTGTTGACCATTGCTTTCTTTCCATTCTCTGCCAACTCCACCATAACTTCATC-3'
Protein context (NP_001242941.1, residues 66-86): GKKAMVNKDD[Ile76Val]QKMNPPKFSK